The following is an entry in ClinVar:

ClinVar aggregate classification (germline): Uncertain significance. Review status: criteria provided, multiple submitters, no conflicts (2 of 4 stars). 2 submissions from 2 submitters: Uncertain significance (2). Last evaluated 2024-06-07.

Conditions:
Joubert syndrome. Also called: JOUBERT-BOLTSHAUSER SYNDROME; Familial aplasia of the vermis. Identifiers: Orphanet 475, MedGen C5979921, MONDO:0018772.
Meckel-Gruber syndrome. Also called: DYSENCEPHALIA SPLANCHNOCYSTICA; GRUBER SYNDROME; Dysencephalia splachnocystica. Identifiers: Orphanet 564, MedGen C0265215, MONDO:0018921.
COACH syndrome 2. Identifiers: MedGen C5436837, MONDO:0030859, OMIM 619111.
Meckel syndrome, type 6. Identifiers: Orphanet 564, MedGen C2676790, MONDO:0012848, OMIM 612284.
Retinitis pigmentosa 93. Identifiers: MedGen C5676970, MONDO:0030797, OMIM 619845.
Joubert syndrome 9 (JBTS9). Identifiers: Orphanet 2318, MedGen C2676788, MONDO:0012849, OMIM 612285.

Allele frequency attached by ClinVar (database versions not stated): ExAC 0.00002; gnomAD exomes 0.00002.
gnomAD v4.1: 4 of 1,612,160 alleles (0.00025%); highest among the groups gnomAD compares: Admixed American, 0.0067%; no homozygotes.

Submissions (2):

Fulgent Genetics
Classification: Uncertain significance for Meckel syndrome, type 6; Joubert syndrome 9; COACH syndrome 2; Retinitis pigmentosa 93. Last evaluated: 2024-06-07. Review status: criteria provided, single submitter. Criteria: ACMG Guidelines, 2015. Collection method: clinical testing. Allele origin: germline.

Labcorp Genetics (formerly Invitae), Labcorp
Classification: Uncertain significance for Joubert syndrome; Meckel-Gruber syndrome. Last evaluated: 2022-06-10. Review status: criteria provided, single submitter. Criteria: Invitae Variant Classification Sherloc (09022015). Collection method: clinical testing. Allele origin: germline.
Comment: This sequence change replaces asparagine, which is neutral and polar, with aspartic acid, which is acidic and polar, at codon 482 of the CC2D2A protein (p.Asn482Asp). This variant is present in population databases (rs777022662, gnomAD 0.01%). This variant has not been reported in the literature in individuals affected with CC2D2A-related conditions. Advanced modeling of protein sequence and biophysical properties (such as structural, functional, and spatial information, amino acid conservation, physicochemical variation, residue mobility, and thermodynamic stability) performed at Invitae indicates that this missense variant is not expected to disrupt CC2D2A protein function. In summary, the available evidence is currently insufficient to determine the role of this variant in disease. Therefore, it has been classified as a Variant of Uncertain Significance.

NM_001378615.1(CC2D2A):c.1444A>G (p.Asn482Asp)

Genes: CC2D2A (coiled-coil and C2 domain containing 2A; plus strand), FBXL5 (F-box and leucine rich repeat protein 5; minus strand). Cytogenetic location: 4p15.32.
Variant type: single nucleotide variant.
Coding change: c.1444A>G on transcript NM_001378615.1 (MANE Select); coding-DNA position 1444, A replaced by G.
Protein change: p.Asn482Asp; replaces asparagine 482 with aspartic acid.
Molecular consequence: missense variant.
Genome position (GRCh38, 1-based): chr4:15,528,704, A>G. VCF-style: chr4-15528704-A-G. GRCh37 (hg19) VCF-style: chr4-15530327-A-G.
Other names: c.1444A>G, p.Asn482Asp (NM_001080522.2); c.1297A>G, p.Asn433Asp (NM_001378617.1); short protein forms N433D, N482D.
Identifiers: ClinVar variation 1419788 (VCV001419788.6), dbSNP rs777022662, ClinGen allele CA2863668.